The following is an entry in ClinVar:

ClinVar aggregate classification (germline): Benign. Review status: criteria provided, multiple submitters, no conflicts (2 of 4 stars). 2 submissions from 2 submitters: Benign (2). Last evaluated 2026-01-04.

Conditions:
Finnish type amyloidosis. Also called: Lattice corneal dystrophy associated with familial systemic amyloidosis; Meretoja's syndrome; Lattice dystrophy of the cornea with hereditary generalized amyloidosis; AMYLOID CRANIAL NEUROPATHY WITH LATTICE CORNEAL DYSTROPHY; AMYLOIDOSIS DUE TO MUTANT GELSOLIN; Amyloidosis, familial, Finnish type. Identifiers: Orphanet 85448, MedGen C1622345, MONDO:0007097, OMIM 105120.

Allele frequency attached by ClinVar (database versions not stated): ESP Exome Variant Server 0.00008; gnomAD exomes 0.00010 and 0.00028; 1000 Genomes Project 30x 0.00016; gnomAD 0.00016; 1000 Genomes Project 0.00020; TOPMed 0.00021; ExAC 0.00028.
gnomAD v4.1: 174 of 1,614,114 alleles (0.011%); highest among the groups gnomAD compares: East Asian, 0.089%; no homozygotes.

Submissions (2):

Labcorp Genetics (formerly Invitae), Labcorp
Classification: Benign. Last evaluated: 2026-01-04. Review status: criteria provided, single submitter. Criteria: Invitae Variant Classification Sherloc (09022015). Collection method: clinical testing. Allele origin: germline.

Illumina Laboratory Services, Illumina
Classification: Benign for Finnish type amyloidosis. Last evaluated: 2018-01-13. Review status: criteria provided, single submitter. Criteria: ICSL Variant Classification Criteria 13 December 2019. Collection method: clinical testing. Allele origin: germline.
Comment: This variant was observed in the ICSL laboratory as part of a predisposition screen in an ostensibly healthy population. It had not been previously curated by ICSL or reported in the Human Gene Mutation Database (HGMD: prior to June 1st, 2018), and was therefore a candidate for classification through an automated scoring system. Utilizing variant allele frequency, disease prevalence and penetrance estimates, and inheritance mode, an automated score was calculated to assess if this variant is too frequent to cause the disease. Based on the score and internal cut-off values, a variant classified as benign is not then subjected to further curation. The score for this variant resulted in a classification of benign for this disease.

NM_198252.3(GSN):c.754-11C>T

Gene: GSN (gelsolin; plus strand). Cytogenetic location: 9q33.2.
Variant type: single nucleotide variant.
Coding change: c.754-11C>T on transcript NM_198252.3 (MANE Select); 11 bases into the intron before coding-DNA position 754, C replaced by T.
Molecular consequence: intron variant.
Genome position (GRCh38, 1-based): chr9:121,317,075, C>T. VCF-style: chr9-121317075-C-T. GRCh37 (hg19) VCF-style: chr9-124079353-C-T.
Other names: c.754-11C>T (NM_001353054.1, NM_001353053.1, NM_001353060.2 and 10 more transcripts); c.787-11C>T (NM_001353064.2, NM_001353066.2, NM_001353073.2 and 13 more transcripts); c.862-11C>T (NM_001127663.2); c.826-11C>T (NM_001353076.2); c.100-11C>T (NM_001353078.2); c.805-11C>T (NM_001258029.2); c.778-11C>T (NM_001258030.2); c.907-11C>T (NM_000177.5).
Identifiers: ClinVar variation 913912 (VCV000913912.11), dbSNP rs374057474, ClinGen allele CA5221035.